The following is an entry in ClinVar:

ClinVar aggregate classification (germline): Uncertain significance. Review status: criteria provided, multiple submitters, no conflicts (2 of 4 stars). 3 submissions from 3 submitters: Uncertain significance (3). Last evaluated 2025-06-20.

Conditions:
Autosomal recessive limb-girdle muscular dystrophy type 2Y (MRRSDC). Also called: Muscular dystrophy, autosomal recessive, with rigid spine and distal joint contractures; Muscular dystrophy, limb-girdle, type 2y. Identifiers: Orphanet 424261, MedGen C4511482, MONDO:0014900, OMIM 617072.

Allele frequency attached by ClinVar (database versions not stated): ExAC 0.00001; gnomAD exomes 0.00001; TOPMed 0.00002; gnomAD 0.00003.
gnomAD v4.1: 9 of 1,613,326 alleles (0.00056%); highest among the groups gnomAD compares: African/African-American, 0.011%; no homozygotes.

Submissions (3):

GeneDx
Classification: Uncertain significance. Last evaluated: 2025-06-20. Review status: criteria provided, single submitter. Criteria: GeneDx Variant Classification Process June 2021. Collection method: clinical testing. Allele origin: germline. Affected: yes.
Comment: Not observed at significant frequency in large population cohorts (gnomAD); In silico analysis suggests that this missense variant does not alter protein structure/function; Has not been previously published as pathogenic or benign to our knowledge

Genome-Nilou Lab
Classification: Uncertain significance for Autosomal recessive limb-girdle muscular dystrophy type 2Y. Last evaluated: 2023-04-11. Review status: criteria provided, single submitter. Criteria: ACMG Guidelines, 2015. Collection method: clinical testing. Allele origin: germline. Affected: no.

Labcorp Genetics (formerly Invitae), Labcorp
Classification: Uncertain significance for Autosomal recessive limb-girdle muscular dystrophy type 2Y. Last evaluated: 2021-10-14. Review status: criteria provided, single submitter. Criteria: Invitae Variant Classification Sherloc (09022015). Collection method: clinical testing. Allele origin: germline.
Comment: This sequence change replaces threonine with isoleucine at codon 287 of the TOR1AIP1 protein (p.Thr287Ile). The threonine residue is weakly conserved and there is a moderate physicochemical difference between threonine and isoleucine. This variant is present in population databases (rs767019881, ExAC 0.01%). This variant has not been reported in the literature in individuals affected with TOR1AIP1-related conditions. Algorithms developed to predict the effect of missense changes on protein structure and function output the following: SIFT: "Tolerated"; PolyPhen-2: "Benign"; Align-GVGD: "Class C0". The isoleucine amino acid residue is found in multiple mammalian species, which suggests that this missense change does not adversely affect protein function. In summary, the available evidence is currently insufficient to determine the role of this variant in disease. Therefore, it has been classified as a Variant of Uncertain Significance.

NM_015602.4(TOR1AIP1):c.857C>T (p.Thr286Ile)

Gene: TOR1AIP1 (torsin 1A interacting protein 1; plus strand). Cytogenetic location: 1q25.2.
Variant type: single nucleotide variant.
Coding change: c.857C>T on transcript NM_015602.4 (MANE Select); coding-DNA position 857, C replaced by T.
Protein change: p.Thr286Ile; replaces threonine 286 with isoleucine.
Molecular consequence: missense variant.
Genome position (GRCh38, 1-based): chr1:179,908,623, C>T. VCF-style: chr1-179908623-C-T. GRCh37 (hg19) VCF-style: chr1-179877758-C-T.
Other names: c.860C>T, p.Thr287Ile (NM_001267578.2); short protein forms T286I, T287I.
Identifiers: ClinVar variation 1302538 (VCV001302538.7), dbSNP rs767019881, ClinGen allele CA1269012.